The following is an entry in ClinVar:

NM_000017.4(ACADS):c.*387A>G

Gene: ACADS (acyl-CoA dehydrogenase short chain; plus strand). Cytogenetic location: 12q24.31.
Variant type: single nucleotide variant.
Coding change: c.*387A>G on transcript NM_000017.4 (MANE Select); 387 bases downstream of the stop codon, A replaced by G.
Molecular consequence: 3 prime UTR variant.
Genome position (GRCh38, 1-based): chr12:120,739,835, A>G. VCF-style: chr12-120739835-A-G. GRCh37 (hg19) VCF-style: chr12-121177638-A-G.
Other names: c.*387A>G (NM_001302554.2).
Identifiers: ClinVar variation 307451 (VCV000307451.6), dbSNP rs11065238, ClinGen allele CA10640427.

ClinVar aggregate classification (germline): Benign. Review status: criteria provided, multiple submitters, no conflicts (2 of 4 stars). 2 submissions from 2 submitters: Benign (2). Last evaluated 2018-01-13.

Conditions:
Deficiency of butyryl-CoA dehydrogenase (ACADSD). Also called: SCAD DEFICIENCY, MILD; ACYL-CoA DEHYDROGENASE, SHORT-CHAIN, DEFICIENCY OF; SCADH DEFICIENCY; ACADS DEFICIENCY; Short-Chain Acyl-CoA Dehydrogenase Deficiency; SCAD Deficiency. Identifiers: Orphanet 26792, MedGen C0342783, MONDO:0008722, OMIM 201470. Disease mechanism: May be benign.

Allele frequency attached by ClinVar (database versions not stated): gnomAD 0.01712 and 0.02227; TOPMed 0.02217; gnomAD exomes 0.02821; 1000 Genomes Project 30x 0.07605; 1000 Genomes Project 0.08147.
gnomAD v4.1: 6,564 of 265,658 alleles (2.5%); highest among the groups gnomAD compares: East Asian, 25%; 464 homozygotes.

Submissions (2):

Illumina Laboratory Services, Illumina
Classification: Benign for Deficiency of butyryl-CoA dehydrogenase. Last evaluated: 2018-01-13. Review status: criteria provided, single submitter. Criteria: ICSL Variant Classification Criteria 13 December 2019. Collection method: clinical testing. Allele origin: germline.
Comment: This variant was observed in the ICSL laboratory as part of a predisposition screen in an ostensibly healthy population. It had not been previously curated by ICSL or reported in the Human Gene Mutation Database (HGMD: prior to June 1st, 2018), and was therefore a candidate for classification through an automated scoring system. Utilizing variant allele frequency, disease prevalence and penetrance estimates, and inheritance mode, an automated score was calculated to assess if this variant is too frequent to cause the disease. Based on the score and internal cut-off values, a variant classified as benign is not then subjected to further curation. The score for this variant resulted in a classification of benign for this disease.

Breakthrough Genomics
Classification: Benign. Review status: criteria provided, single submitter. Criteria: ACMG Guidelines, 2015. Collection method: not provided. Allele origin: germline. Inheritance: Autosomal recessive inheritance. Affected: yes.